The following is an entry in ClinVar:

ClinVar aggregate classification (germline): Uncertain significance. Review status: criteria provided, multiple submitters, no conflicts (2 of 4 stars). 2 submissions from 2 submitters: Uncertain significance (2). Last evaluated 2023-02-20.

Submissions (2):

Blueprint Genetics
Classification: Uncertain significance. Last evaluated: 2023-02-20. Review status: criteria provided, single submitter. Criteria: ACMG Guidelines, 2015. Collection method: clinical testing. Allele origin: germline.

Labcorp Genetics (formerly Invitae), Labcorp
Classification: Uncertain significance. Last evaluated: 2022-09-17. Review status: criteria provided, single submitter. Criteria: Invitae Variant Classification Sherloc (09022015). Collection method: clinical testing. Allele origin: germline.
Comment: In summary, the available evidence is currently insufficient to determine the role of this variant in disease. Therefore, it has been classified as a Variant of Uncertain Significance. Advanced modeling of protein sequence and biophysical properties (such as structural, functional, and spatial information, amino acid conservation, physicochemical variation, residue mobility, and thermodynamic stability) performed at Invitae indicates that this missense variant is not expected to disrupt CACNA1F protein function. This variant has not been reported in the literature in individuals affected with CACNA1F-related conditions. This variant is not present in population databases (gnomAD no frequency). This sequence change replaces serine, which is neutral and polar, with asparagine, which is neutral and polar, at codon 1308 of the CACNA1F protein (p.Ser1308Asn).

NM_001256789.3(CACNA1F):c.3890G>A (p.Ser1297Asn)

Gene: CACNA1F (calcium voltage-gated channel subunit alpha1 F; minus strand). Cytogenetic location: Xp11.23.
Variant type: single nucleotide variant.
Coding change: c.3890G>A on transcript NM_001256789.3 (MANE Select); coding-DNA position 3890, G replaced by A.
Protein change: p.Ser1297Asn; replaces serine 1297 with asparagine.
Molecular consequence: missense variant.
Genome position (GRCh38, 1-based): chrX:49,212,719, C>T on the plus strand (G>A on the coding strand, the complement: CACNA1F is on the minus strand). VCF-style: chrX-49212719-C-T. GRCh37 (hg19) VCF-style: chrX-49069179-C-T.
Other names: c.3728G>A, p.Ser1243Asn (NM_001256790.3); c.3923G>A, p.Ser1308Asn (NM_005183.4); short protein forms S1243N, S1297N, S1308N.
Identifiers: ClinVar variation 2015387 (VCV002015387.5), dbSNP rs1189917731, ClinGen allele CA412962323.